The following is an entry in ClinVar:

ClinVar aggregate classification (germline): Likely benign. Review status: criteria provided, single submitter (1 of 4 stars). 2 submissions from 2 submitters: Likely benign (1). 1 of the submissions does not count toward it. Last evaluated 2024-04-12.

Conditions:
USP7-related disorder. Also called: USP7-related condition.

Allele frequency attached by ClinVar (database versions not stated): TOPMed 0.00002; gnomAD 0.00003.
gnomAD v4.1: 43 of 1,611,516 alleles (0.0027%); highest among the groups gnomAD compares: Middle Eastern, 0.018%; no homozygotes.

Submissions (2):

Women's Health and Genetics/Laboratory Corporation of America, LabCorp
Classification: Likely benign. Last evaluated: 2024-04-12. Review status: criteria provided, single submitter. Criteria: LabCorp Variant Classification Summary - May 2015. Collection method: clinical testing. Allele origin: germline.
Comment: Variant summary: USP7 c.1839+9C>T alters a non-conserved nucleotide located at a position not widely known to affect splicing. Consensus agreement among computation tools predict no significant impact on normal splicing. However, these predictions have yet to be confirmed by functional studies. The variant allele was found at a frequency of 2e-05 in 250306 control chromosomes. The available data on variant occurrences in the general population are insufficient to allow any conclusion about variant significance. To our knowledge, no occurrence of c.1839+9C>T in individuals affected with Hao-Fountain Syndrome and no experimental evidence demonstrating its impact on protein function have been reported. ClinVar contains an entry for this variant (Variation ID: 3033935). Based on the evidence outlined above, the variant was classified as likely benign.

PreventionGenetics, part of Exact Sciences
Classification: Likely benign for USP7-related condition. Last evaluated: 2019-06-11. Review status: no assertion criteria provided. Collection method: clinical testing. Allele origin: germline. Not counted in ClinVar's aggregate classification.
Comment: This variant is classified as likely benign based on ACMG/AMP sequence variant interpretation guidelines (Richards et al. 2015 PMID: 25741868, with internal and published modifications).

NM_003470.3(USP7):c.1839+9C>T

Gene: USP7 (ubiquitin specific peptidase 7; minus strand). Cytogenetic location: 16p13.2.
Variant type: single nucleotide variant.
Coding change: c.1839+9C>T on transcript NM_003470.3 (MANE Select); 9 bases into the intron after coding-DNA position 1839, C replaced by T.
Molecular consequence: intron variant.
Genome position (GRCh38, 1-based): chr16:8,903,259, G>A on the plus strand (C>T on the coding strand, the complement: USP7 is on the minus strand). VCF-style: chr16-8903259-G-A. GRCh37 (hg19) VCF-style: chr16-8997116-G-A.
Other names: c.1665+9C>T (NM_001321858.2); c.1791+9C>T (NM_001286457.2); c.1542+9C>T (NM_001286458.2).
Identifiers: ClinVar variation 3033935 (VCV003033935.3), dbSNP rs751756032, ClinGen allele CA7895268.